The following is an entry in ClinVar:

ClinVar aggregate classification (germline): Uncertain significance (1 of 4 stars; one submission).

Allele frequency attached by ClinVar (database versions not stated): gnomAD exomes below 0.00001 and 0.00001.

Submission:

Labcorp Genetics (formerly Invitae), Labcorp
Classification: Uncertain significance. Last evaluated: 2025-12-24. Review status: criteria provided, single submitter. Criteria: Invitae Variant Classification Sherloc (09022015). Collection method: clinical testing. Allele origin: germline.
Comment: This sequence change replaces glycine, which is neutral and non-polar, with arginine, which is basic and polar, at codon 451 of the COL9A2 protein (p.Gly451Arg). The frequency data for this variant in the population databases is considered unreliable, as metrics indicate poor data quality at this position in the gnomAD database. This variant has not been reported in the literature in individuals affected with COL9A2-related conditions. ClinVar contains an entry for this variant (Variation ID: 1466741). Invitae Evidence Modeling of protein sequence and biophysical properties (such as structural, functional, and spatial information, amino acid conservation, physicochemical variation, residue mobility, and thermodynamic stability) indicates that this missense variant is expected to disrupt COL9A2 protein function with a positive predictive value of 95%. In summary, the available evidence is currently insufficient to determine the role of this variant in disease. Therefore, it has been classified as a Variant of Uncertain Significance.

NM_001852.4(COL9A2):c.1351G>A (p.Gly451Arg)

Gene: COL9A2 (collagen type IX alpha 2 chain; minus strand). Cytogenetic location: 1p34.2.
Variant type: single nucleotide variant.
Coding change: c.1351G>A on transcript NM_001852.4 (MANE Select); coding-DNA position 1351, G replaced by A.
Protein change: p.Gly451Arg; replaces glycine 451 with arginine.
Molecular consequence: missense variant.
Genome position (GRCh38, 1-based): chr1:40,303,945, C>T on the plus strand (G>A on the coding strand, the complement: COL9A2 is on the minus strand). VCF-style: chr1-40303945-C-T. GRCh37 (hg19) VCF-style: chr1-40769617-C-T.
Other names: short protein forms G451R.
Identifiers: ClinVar variation 1466741 (VCV001466741.8), dbSNP rs1200854870, ClinGen allele CA339879828.
Genomic context (GRCh38, chr1:40,303,945, plus strand): 5'-GGCCAGCCGCCGCTCCCCGCCCTTCCCTAGGCCGCGCGCTCACCTTCTCGCCTTTCTCTC[C>T]GGGGAGGCCGGCCACCCCTGGGTCACCCTGCAGAGAGAACCACGGGTCAGACGCGCGGTG-3'
Protein context (NP_001843.1, residues 441-461): VGDPGVAGLP[Gly451Arg]EKGEKGESGE